The following is an entry in ClinVar:

NM_001083619.3(GRIA2):c.2382C>G (p.Cys794Trp)

Gene: GRIA2 (glutamate ionotropic receptor AMPA type subunit 2; plus strand). Cytogenetic location: 4q32.1.
Variant type: single nucleotide variant.
Coding change: c.2382C>G on transcript NM_001083619.3 (MANE Select); coding-DNA position 2382, C replaced by G.
Protein change: p.Cys794Trp; replaces cysteine 794 with tryptophan.
Molecular consequence: missense variant. On other transcripts: intron variant (3).
Genome position (GRCh38, 1-based): chr4:157,361,100, C>G. VCF-style: chr4-157361100-C-G. GRCh37 (hg19) VCF-style: chr4-158282252-C-G.
Other names: c.2241C>G, p.Cys747Trp (NM_001379000.3); c.2151-438C>G (NM_001379001.3, NM_001083620.3); c.2292-438C>G (NM_000826.6); short protein forms C747W, C794W.
Identifiers: ClinVar variation 2381644 (VCV002381644.3), dbSNP rs905388046, ClinGen allele CA109189333.

ClinVar aggregate classification (germline): Uncertain significance. Review status: criteria provided, multiple submitters, no conflicts (2 of 4 stars). 2 submissions from 2 submitters: Uncertain significance (2). Last evaluated 2024-04-15.

Conditions:
Inborn genetic diseases. Identifiers: MedGen C0950123, MeSH D030342.

gnomAD v4.1: 4 of 1,611,834 alleles (0.00025%); highest among the groups gnomAD compares: African/African-American, 0.0013%; no homozygotes.

Submissions (2):

Women's Health and Genetics/Laboratory Corporation of America, LabCorp
Classification: Uncertain significance. Last evaluated: 2024-04-15. Review status: criteria provided, single submitter. Criteria: LabCorp Variant Classification Summary - May 2015. Collection method: clinical testing. Allele origin: germline.
Comment: Variant summary: GRIA2 c.2382C>G (p.Cys794Trp) results in a non-conservative amino acid change located in the C-terminal domain (IPR001320) of the encoded protein sequence. Five of five in-silico tools predict a damaging effect of the variant on protein function. The variant allele was found at a frequency of 4e-06 in 251170 control chromosomes (gnomAD). The available data on variant occurrences in the general population are insufficient to allow any conclusion about variant significance. To our knowledge, no occurrence of c.2382C>G in individuals affected with Neurodevelopmental Disorder With Language Impairment And Behavioral Abnormalities and no experimental evidence demonstrating its impact on protein function have been reported. ClinVar contains an entry for this variant (Variation ID: 2381644). Based on the evidence outlined above, the variant was classified as uncertain significance.

Ambry Genetics
Classification: Uncertain significance for Inborn genetic diseases. Last evaluated: 2021-12-13. Review status: criteria provided, single submitter. Criteria: Ambry Variant Classification Scheme 2023. Collection method: clinical testing. Allele origin: germline.